The following is an entry in ClinVar:

NM_000082.4(ERCC8):c.131del (p.Gly44fs)

Gene: ERCC8 (ERCC excision repair 8, CSA ubiquitin ligase complex subunit; minus strand). Cytogenetic location: 5q12.1.
Variant type: Deletion.
Coding change: c.131del on transcript NM_000082.4 (MANE Select); coding-DNA position 131, one base deleted (G; older notation c.131delG).
Protein change: p.Gly44fs; shifts the reading frame from glycine 44.
Molecular consequence: frameshift variant. On other transcripts: 5 prime UTR variant (2).
Genome position (GRCh38, 1-based): chr5:60,928,906, C deleted on the plus strand (G on the coding strand, the reverse complement: ERCC8 is on the minus strand); the first of 2 consecutive C bases (chr5:60,928,906-60,928,907); deleting either gives the same sequence. VCF-style (leftmost placement, unchanged base first): chr5-60928905-AC-A. GRCh37 (hg19) VCF-style: chr5-60224732-AC-A.
Other names: c.-262del (NM_001007233.3); c.131del, p.Gly44fs (NM_001007234.3); c.-247del (NM_001290285.2); short protein forms G44fs.
Identifiers: ClinVar variation 5006910 (VCV005006910.2).

ClinVar aggregate classification (germline): Likely pathogenic (1 of 4 stars; one submission).

Conditions:
Cockayne syndrome type 1. Also called: Cockayne syndrome type I; Cockayne syndrome classical; Cockayne syndrome classic form. Identifiers: Orphanet 191, Orphanet 90321, MedGen C0751039, MONDO:0019569, OMIM 216400.
UV-sensitive syndrome 2 (UVSS2). Identifiers: Orphanet 178338, MedGen C3553298, MONDO:0013829, OMIM 614621.

Submission:

Juno Genomics, Hangzhou Juno Genomics, Inc
Classification: Likely pathogenic for Cockayne syndrome type 1; UV-sensitive syndrome 2. Review status: criteria provided, single submitter. Criteria: ACMG Guidelines, 2015. Collection method: clinical testing. Allele origin: germline.
Comment: Null variant in a gene where loss of function (LOF) is a known mechanism of disease.;Absent from controls (or at extremely low frequency if recessive) in Genome Aggregation Database.